The following is an entry in ClinVar:

NM_000535.7(PMS2):c.1957T>G (p.Cys653Gly)

Gene: PMS2 (PMS1 homolog 2, mismatch repair system component; minus strand). Cytogenetic location: 7p22.1.
Variant type: single nucleotide variant.
Coding change: c.1957T>G on transcript NM_000535.7 (MANE Select); coding-DNA position 1957, T replaced by G.
Protein change: p.Cys653Gly; replaces cysteine 653 with glycine.
Molecular consequence: missense variant. On other transcripts: non-coding transcript variant (1).
Genome position (GRCh38, 1-based): chr7:5,986,808, A>C on the plus strand (T>G on the coding strand, the complement: PMS2 is on the minus strand). VCF-style: chr7-5986808-A-C. GRCh37 (hg19) VCF-style: chr7-6026439-A-C.
Other names: c.1552T>G, p.Cys518Gly (NM_001322003.2, NM_001322004.2, NM_001322005.2 and 1 more transcripts); c.1801T>G, p.Cys601Gly (NM_001322006.2); c.1639T>G, p.Cys547Gly (NM_001322007.2, NM_001322008.2); c.1396T>G, p.Cys466Gly (NM_001322010.2); c.1024T>G, p.Cys342Gly (NM_001322011.2, NM_001322012.2); c.1384T>G, p.Cys462Gly (NM_001322013.2); c.1957T>G, p.Cys653Gly (NM_001322014.2); c.1648T>G, p.Cys550Gly (NM_001322015.2); short protein forms C342G, C462G, C466G, C518G, C547G, C550G, C601G, C653G.
Identifiers: ClinVar variation 1000616 (VCV001000616.9), dbSNP rs267608162, ClinGen allele CA153227370.

ClinVar aggregate classification (germline): Uncertain significance (1 of 4 stars; one submission).

Conditions:
Hereditary nonpolyposis colorectal neoplasms. Identifiers: MedGen C0009405, MeSH D003123.

Allele frequency attached by ClinVar (database versions not stated): gnomAD exomes below 0.00001.

Submission:

Labcorp Genetics (formerly Invitae), Labcorp
Classification: Uncertain significance for Hereditary nonpolyposis colorectal neoplasms. Last evaluated: 2020-01-30. Review status: criteria provided, single submitter. Criteria: Invitae Variant Classification Sherloc (09022015). Collection method: clinical testing. Allele origin: germline.
Comment: In summary, the available evidence is currently insufficient to determine the role of this variant in disease. Therefore, it has been classified as a Variant of Uncertain Significance. This sequence change replaces cysteine with glycine at codon 653 of the PMS2 protein (p.Cys653Gly). The cysteine residue is weakly conserved and there is a large physicochemical difference between cysteine and glycine. This variant is not present in population databases (ExAC no frequency). This variant has not been reported in the literature in individuals with PMS2-related conditions. Algorithms developed to predict the effect of missense changes on protein structure and function (SIFT, PolyPhen-2, Align-GVGD) all suggest that this variant is likely to be tolerated, but these predictions have not been confirmed by published functional studies and their clinical significance is uncertain.